The following is an entry in ClinVar:

NM_033305.3(VPS13A):c.6340C>T (p.Arg2114Ter)

Gene: VPS13A (vacuolar protein sorting 13 homolog A; plus strand). Cytogenetic location: 9q21.2.
Variant type: single nucleotide variant.
Coding change: c.6340C>T on transcript NM_033305.3 (MANE Select); coding-DNA position 6340, C replaced by T.
Protein change: p.Arg2114Ter; replaces arginine 2114 with a stop codon.
Molecular consequence: nonsense.
Genome position (GRCh38, 1-based): chr9:77,337,499, C>T. VCF-style: chr9-77337499-C-T. GRCh37 (hg19) VCF-style: chr9-79952415-C-T.
Other names: c.6223C>T, p.Arg2075Ter (NM_001018037.2); c.6340C>T, p.Arg2114Ter (NM_001018038.3, NM_015186.4); short protein forms R2075*, R2114*.
Identifiers: ClinVar variation 962359 (VCV000962359.7), dbSNP rs1417854249, ClinGen allele CA373848825.
Genomic context (GRCh38, chr9:77,337,499, plus strand): 5'-TATTCAGAAGATGGTTGGGATTTACCATACATAATGCATTTGTGGCCACCTATCCTGCTC[C>T]GAAATCTTCTTCCTTACAAAATTGCTTATTATATAGAGGTATCGGCAAACTGATTTAGTG-3'

ClinVar aggregate classification (germline): Pathogenic (1 of 4 stars; one submission).

Allele frequency attached by ClinVar (database versions not stated): gnomAD exomes 0.00001; TOPMed 0.00001; gnomAD 0.00002 and 0.00003.
gnomAD v4.1: 15 of 1,612,700 alleles (0.00093%); highest among the groups gnomAD compares: African/African-American, 0.0027%; no homozygotes.

Submission:

Labcorp Genetics (formerly Invitae), Labcorp
Classification: Pathogenic. Last evaluated: 2022-12-18. Review status: criteria provided, single submitter. Criteria: Invitae Variant Classification Sherloc (09022015). Collection method: clinical testing. Allele origin: germline.
Comment: This sequence change creates a premature translational stop signal (p.Arg2114*) in the VPS13A gene. It is expected to result in an absent or disrupted protein product. Loss-of-function variants in VPS13A are known to be pathogenic (PMID: 12404112, 21598378). This variant is present in population databases (no rsID available, gnomAD 0.06%). This variant has not been reported in the literature in individuals affected with VPS13A-related conditions. ClinVar contains an entry for this variant (Variation ID: 962359). For these reasons, this variant has been classified as Pathogenic.

Literature cited by the submitters: PubMed 12404112; PubMed 21598378.